The following is an entry in ClinVar:

NM_006218.4(PIK3CA):c.563G>A (p.Gly188Glu)

Gene: PIK3CA (phosphatidylinositol-4,5-bisphosphate 3-kinase catalytic subunit alpha; plus strand). Cytogenetic location: 3q26.32.
Variant type: single nucleotide variant.
Coding change: c.563G>A on transcript NM_006218.4 (MANE Select); coding-DNA position 563, G replaced by A.
Protein change: p.Gly188Glu; replaces glycine 188 with glutamic acid.
Molecular consequence: missense variant.
Genome position (GRCh38, 1-based): chr3:179,201,290, G>A. VCF-style: chr3-179201290-G-A. GRCh37 (hg19) VCF-style: chr3-178919078-G-A.
Other names: short protein forms G188E.
Identifiers: ClinVar variation 584650 (VCV000584650.4), dbSNP rs1560138278, ClinGen allele CA355275859.
Genomic context (GRCh38, chr3:179,201,290, plus strand): 5'-ATTTCTCCCTTGAAAAATGAAAGAGAGATGGTGATTGCATCTAATGTTTTCCTGTTATAG[G>A]GCAAATAATAGTGGTGATCTGGGTAATAGTTTCTCCAAATAATGACAAGCAGAAGTATAC-3'
Protein context (NP_006209.2, residues 178-198): PKHIYNKLDK[Gly188Glu]QIIVVIWVIV

ClinVar aggregate classification (germline): Uncertain significance. Review status: criteria provided, multiple submitters, no conflicts (2 of 4 stars). 2 submissions from 2 submitters: Uncertain significance (2). Last evaluated 2025-10-07.

Conditions:
Hereditary cancer-predisposing syndrome. Also called: Neoplastic Syndromes, Hereditary; Hereditary Cancer Syndrome; Hereditary neoplastic syndrome; Tumor predisposition. Identifiers: Orphanet 140162, MedGen C0027672, MeSH D009386, MONDO:0015356.

Submissions (2):

Dasa
Classification: Uncertain significance. Last evaluated: 2025-10-07. Review status: criteria provided, single submitter. Criteria: DASA Assertion Criteria. Collection method: clinical testing. Allele origin: germline.
Comment: NM_006218.4(PIK3CA):c.563G>A (p.Gly188Glu) is a missense variant that results in the substitution of glycine with glutamic acid. This variant is absent from population databases. Computational prediction algorithms are consistent with a deleterious effect. The currently available literature and clinical evidence are not sufficient to establish a definitive association between this variant and the reported condition. Therefore, this variant is classified as a variant of uncertain significance.

Mendelics
Classification: Uncertain significance for Hereditary cancer-predisposing syndrome. Last evaluated: 2018-07-02. Review status: criteria provided, single submitter. Criteria: Mendelics Assertion Criteria 2017. Collection method: clinical testing. Allele origin: unknown.